The following is an entry in ClinVar:

ClinVar aggregate classification (germline): Uncertain significance. Review status: criteria provided, multiple submitters, no conflicts (2 of 4 stars). 2 submissions from 2 submitters: Uncertain significance (2). Last evaluated 2025-04-20.

gnomAD v4.1: 7 of 1,609,468 alleles (0.00043%); highest among the groups gnomAD compares: African/African-American, 0.0094%; no homozygotes.

Submissions (2):

Labcorp Genetics (formerly Invitae), Labcorp
Classification: Uncertain significance. Last evaluated: 2025-04-20. Review status: criteria provided, single submitter. Criteria: Invitae Variant Classification Sherloc (09022015). Collection method: clinical testing. Allele origin: germline.
Comment: This sequence change replaces lysine, which is basic and polar, with asparagine, which is neutral and polar, at codon 479 of the LIPI protein (p.Lys479Asn). This variant is present in population databases (rs368753110, gnomAD 0.01%). This variant has not been reported in the literature in individuals affected with LIPI-related conditions. An algorithm developed to predict the effect of missense changes on protein structure and function outputs the following: PolyPhen-2: "Benign". The asparagine amino acid residue is found in multiple mammalian species, which suggests that this missense change does not adversely affect protein function. In summary, the available evidence is currently insufficient to determine the role of this variant in disease. Therefore, it has been classified as a Variant of Uncertain Significance.

Ambry Genetics
Classification: Uncertain significance. Last evaluated: 2025-04-19. Review status: criteria provided, single submitter. Criteria: Ambry Variant Classification Scheme 2023. Collection method: clinical testing. Allele origin: germline.

NM_001302998.2(LIPI):c.1374G>T (p.Lys458Asn)

Gene: LIPI (lipase I; minus strand). Cytogenetic location: 21q11.2.
Variant type: single nucleotide variant.
Coding change: c.1374G>T on transcript NM_001302998.2 (MANE Select); coding-DNA position 1374, G replaced by T.
Protein change: p.Lys458Asn; replaces lysine 458 with asparagine.
Molecular consequence: missense variant.
Genome position (GRCh38, 1-based): chr21:14,109,002, C>A on the plus strand (G>T on the coding strand, the complement: LIPI is on the minus strand). VCF-style: chr21-14109002-C-A. GRCh37 (hg19) VCF-style: chr21-15481323-C-A.
Other names: c.1284G>T, p.Lys428Asn (NM_001302999.2); c.1356G>T, p.Lys452Asn (NM_001303000.2); c.1085G>T, p.Arg362Ile (NM_001303001.2); c.1269G>T, p.Lys423Asn (NM_001379565.1); c.879G>T, p.Lys293Asn (NM_001379566.1); c.1239G>T, p.Lys413Asn (NM_198996.4); short protein forms K293N, K423N, K452N, K413N, K458N, R362I, K428N.
Identifiers: ClinVar variation 4047524 (VCV004047524.2).